The following is an entry in ClinVar:

NM_001365088.1(SLC12A6):c.2612G>A (p.Arg871His)

Genes: SLC12A6 (solute carrier family 12 member 6; minus strand), LOC126862097 (P300/CBP strongly-dependent group 1 enhancer GRCh37_chr15:34531007-34532206; plus strand). Cytogenetic location: 15q14.
Variant type: single nucleotide variant.
Coding change: c.2612G>A on transcript NM_001365088.1 (MANE Select); coding-DNA position 2612, G replaced by A.
Protein change: p.Arg871His; replaces arginine 871 with histidine.
Molecular consequence: missense variant.
Genome position (GRCh38, 1-based): chr15:34,238,985, C>T on the plus strand (G>A on the coding strand, the complement: SLC12A6 is on the minus strand). VCF-style: chr15-34238985-C-T. GRCh37 (hg19) VCF-style: chr15-34531186-C-T.
Other names: p.Arg871His; c.2435G>A, p.Arg812His (NM_001042494.2, NM_001042495.2); c.2585G>A, p.Arg862His (NM_001042496.2); c.2567G>A, p.Arg856His (NM_001042497.2); c.2459G>A, p.Arg820His (NM_005135.2); c.2612G>A, p.Arg871His (NM_133647.2); short protein forms R812H, R820H, R856H, R862H, R871H.
Identifiers: ClinVar variation 1693632 (VCV001693632.8), dbSNP rs151155752, ClinGen allele CA7464052.
Genomic context (GRCh38, chr15:34,238,985, plus strand): 5'-CGACTTGGGCCTTTAGGTTTGTATGAGAAATGGTTAGTACCAATAAAAGTCTTCCAAGCG[C>T]GGGCATCTTCGCTTTGACGCCAGCCATTAGGCCAGCCCATCACCACCGTGTTGTGCTTCA-3'
Protein context (NP_001352017.1, residues 861-881): PNGWRQSEDA[Arg871His]AWKTFIGTVR

ClinVar aggregate classification (germline): Uncertain significance. Review status: criteria provided, multiple submitters, no conflicts (2 of 4 stars). 3 submissions from 3 submitters: Uncertain significance (3). Last evaluated 2024-06-23.

Conditions:
Inborn genetic diseases. Identifiers: MedGen C0950123, MeSH D030342.

Allele frequency attached by ClinVar (database versions not stated): gnomAD exomes 0.00001; ExAC 0.00002; gnomAD 0.00002; TOPMed 0.00002; ESP Exome Variant Server 0.00008.
gnomAD v4.1: 16 of 1,613,916 alleles (0.00099%); highest among the groups gnomAD compares: Middle Eastern, 0.016%; no homozygotes.

Submissions (3):

Labcorp Genetics (formerly Invitae), Labcorp
Classification: Uncertain significance. Last evaluated: 2024-06-23. Review status: criteria provided, single submitter. Criteria: Invitae Variant Classification Sherloc (09022015). Collection method: clinical testing. Allele origin: germline.
Comment: This sequence change replaces arginine, which is basic and polar, with histidine, which is basic and polar, at codon 871 of the SLC12A6 protein (p.Arg871His). This variant is present in population databases (rs151155752, gnomAD 0.004%). This variant has not been reported in the literature in individuals affected with SLC12A6-related conditions. ClinVar contains an entry for this variant (Variation ID: 1693632). Advanced modeling of protein sequence and biophysical properties (such as structural, functional, and spatial information, amino acid conservation, physicochemical variation, residue mobility, and thermodynamic stability) performed at Invitae indicates that this missense variant is not expected to disrupt SLC12A6 protein function with a negative predictive value of 80%. In summary, the available evidence is currently insufficient to determine the role of this variant in disease. Therefore, it has been classified as a Variant of Uncertain Significance.

Ambry Genetics
Classification: Uncertain significance for Inborn genetic diseases. Last evaluated: 2022-01-10. Review status: criteria provided, single submitter. Criteria: Ambry Variant Classification Scheme 2023. Collection method: clinical testing. Allele origin: germline.

Mayo Clinic Laboratories, Mayo Clinic
Classification: Uncertain significance. Last evaluated: 2021-04-06. Review status: criteria provided, single submitter. Criteria: ACMG Guidelines, 2015. Collection method: clinical testing. Allele origin: germline.